The following is an entry in ClinVar:

NM_000268.4(NF2):c.983A>T (p.Glu328Val)

Gene: NF2 (NF2, moesin-ezrin-radixin like (MERLIN) tumor suppressor; plus strand). Cytogenetic location: 22q12.2.
Variant type: single nucleotide variant.
Coding change: c.983A>T on transcript NM_000268.4 (MANE Select); coding-DNA position 983, A replaced by T.
Protein change: p.Glu328Val; replaces glutamic acid 328 with valine.
Molecular consequence: missense variant. On other transcripts: non-coding transcript variant (1), intron variant (1).
Genome position (GRCh38, 1-based): chr22:29,668,430, A>T. VCF-style: chr22-29668430-A-T. GRCh37 (hg19) VCF-style: chr22-30064419-A-T.
Other names: c.983A>T, p.Glu328Val (NM_016418.5, NM_181825.3, NM_181832.3); c.857A>T, p.Glu286Val (NM_181828.3); c.860A>T, p.Glu287Val (NM_181829.3); c.734A>T, p.Glu245Val (NM_181830.3, NM_181831.3); c.447+26145A>T (NM_181833.3); short protein forms E328V, E286V, E287V, E245V.
Identifiers: ClinVar variation 41681 (VCV000041681.16), dbSNP rs200372028, ClinGen allele CA021461.

ClinVar aggregate classification (germline): Conflicting classifications of pathogenicity. Review status: criteria provided, conflicting classifications (1 of 4 stars). 6 submissions from 6 submitters: Uncertain significance (3); Likely benign (2). 1 of the submissions does not count toward it. Last evaluated 2026-01-26.

Conditions:
Hereditary cancer-predisposing syndrome. Also called: Tumor predisposition; Neoplastic Syndromes, Hereditary; Hereditary neoplastic syndrome; Hereditary Cancer Syndrome. Identifiers: Orphanet 140162, MedGen C0027672, MeSH D009386, MONDO:0015356.
Neurofibromatosis, type 2 (SWNV). Also called: NF2-Related Schwannomatosis; BILATERAL ACOUSTIC NEUROFIBROMATOSIS; SCHWANNOMATOSIS, VESTIBULAR. Identifiers: Orphanet 637, MedGen C0027832, MONDO:0007039, OMIM 101000. Disease mechanism: loss of function.

Allele frequency attached by ClinVar (database versions not stated): gnomAD exomes 0.00001; ExAC 0.00002.
gnomAD v4.1: 13 of 1,613,668 alleles (0.00081%); highest among the groups gnomAD compares: South Asian, 0.0011%; no homozygotes.

Submissions (6):

Labcorp Genetics (formerly Invitae), Labcorp
Classification: Likely benign for Neurofibromatosis, type 2. Last evaluated: 2026-01-26. Review status: criteria provided, single submitter. Criteria: Invitae Variant Classification Sherloc (09022015). Collection method: clinical testing. Allele origin: germline.

Color Diagnostics, LLC DBA Color Health
Classification: Uncertain significance for Neurofibromatosis, type 2. Last evaluated: 2024-11-19. Review status: criteria provided, single submitter. Criteria: ACMG Guidelines, 2015. Collection method: clinical testing. Allele origin: germline.
Comment: This missense variant replaces glutamic acid with valine at codon 328 of the NF2 protein. Computational prediction suggests that this variant may have deleterious impact on protein structure and function (internally defined REVEL score threshold >= 0.7, PMID: 27666373). To our knowledge, functional studies have not been reported for this variant. This variant has not been reported in individuals affected with NF2-related disorders in the literature. This variant has been identified in 13/1613668 chromosomes in the general population by the Genome Aggregation Database (gnomAD). The available evidence is insufficient to determine the role of this variant in disease conclusively. Therefore, this variant is classified as a Variant of Uncertain Significance.

All of Us Research Program, National Institutes of Health
Classification: Uncertain significance for Neurofibromatosis, type 2. Last evaluated: 2024-01-03. Review status: criteria provided, single submitter. Criteria: ACMG Guidelines, 2015. Collection method: clinical testing. Allele origin: germline. Inheritance: Autosomal dominant inheritance. Observed: 1 variant allele, 1 heterozygote.
Comment: This missense variant replaces glutamic acid with valine at codon 328 of the NF2 protein. Computational prediction suggests that this variant may have deleterious impact on protein structure and function (internally defined REVEL score threshold >= 0.7, PMID: 27666373). To our knowledge, functional studies have not been reported for this variant. This variant has not been reported in individuals affected with NF2-related disorders in the literature. This variant has been identified in 3/251368 chromosomes in the general population by the Genome Aggregation Database (gnomAD). The available evidence is insufficient to determine the role of this variant in disease conclusively. Therefore, this variant is classified as a Variant of Uncertain Significance.

This study involves interpretation of variants in research participants for the purpose of population health screening. Participant phenotype was not available at the time of variant classification. Additional details can be found in publication PMID: 35346344, PMCID: PMC8962531

Ambry Genetics
Classification: Likely benign for Hereditary cancer-predisposing syndrome. Last evaluated: 2022-07-26. Review status: criteria provided, single submitter. Criteria: Ambry Variant Classification Scheme 2023. Collection method: clinical testing. Allele origin: germline.

Blueprint Genetics
Classification: Uncertain significance. Last evaluated: 2021-04-13. Review status: criteria provided, single submitter. Criteria: ACMG Guidelines, 2015. Collection method: clinical testing. Allele origin: germline.

Biesecker Lab/Clinical Genomics Section, National Institutes of Health
Classification: Uncertain significance. Last evaluated: 2012-07-13. Review status: no assertion criteria provided. Collection method: research. Allele origin: germline. Affected: no. Observed: 1 variant allele. Study: ClinSeq. Not counted in ClinVar's aggregate classification.
ClinVar note: Converted during submission from variant of unknown significance to Uncertain significance.

Literature cited by the submitters: PubMed 27600092 (cited by Ambry Genetics).